The following is an entry in ClinVar:

NM_000432.4(MYL2):c.275G>A (p.Gly92Glu)

Gene: MYL2 (myosin light chain 2; minus strand). Cytogenetic location: 12q24.11.
Variant type: single nucleotide variant.
Coding change: c.275G>A on transcript NM_000432.4 (MANE Select); coding-DNA position 275, G replaced by A.
Protein change: p.Gly92Glu; replaces glycine 92 with glutamic acid.
Molecular consequence: missense variant.
Genome position (GRCh38, 1-based): chr12:110,913,324, C>T on the plus strand (G>A on the coding strand, the complement: MYL2 is on the minus strand). VCF-style: chr12-110913324-C-T. GRCh37 (hg19) VCF-style: chr12-111351128-C-T.
Other names: short protein forms G92E.
Identifiers: ClinVar variation 1329422 (VCV001329422.12), dbSNP rs727503297, ClinGen allele CA386698175.
Genomic context (GRCh38, chr12:110,913,324, plus strand): 5'-CCTTTGCCTTCAGGGTCAAACACTTTGAATGCGTTGAGAATGGTTTCCTCAGGGTCCGCT[C>T]CTGAAACGGAACACAGGGCTTACATGTACTGGGGGTGGCTGGGAACCACTGGCACCCCAG-3'
Protein context (NP_000423.2, residues 82-102): FLTMFGEKLK[Gly92Glu]ADPEETILNA

ClinVar aggregate classification (germline): Uncertain significance. Review status: criteria provided, multiple submitters, no conflicts (2 of 4 stars). 4 submissions from 4 submitters: Uncertain significance (4). Last evaluated 2026-01-01.

Conditions:
Hypertrophic cardiomyopathy 10. Also called: CARDIOMYOPATHY, HYPERTROPHIC, MID-LEFT VENTRICULAR CHAMBER TYPE, 2; MYL2-Related Familial Hypertrophic Cardiomyopathy. Identifiers: MedGen C1834460, MONDO:0012112, OMIM 608758.
Cardiovascular phenotype. Identifiers: MedGen CN230736.
Cardiomyopathy (CMYO). Also called: Cardiomyopathies. Identifiers: Orphanet 167848, MedGen C0878544, MONDO:0004994, HP:0001638. Inheritance: Various modes of inheritance.

Submissions (4):

Dasa
Classification: Uncertain significance. Last evaluated: 2026-01-01. Review status: criteria provided, single submitter. Criteria: DASA Assertion Criteria. Collection method: clinical testing. Allele origin: germline.
Comment: NM_000432.4(MYL2):c.275G>A (p.Gly92Glu) is a missense variant that results in the substitution of glycine with glutamic acid. This variant is rare in population databases. Computational prediction algorithms are consistent with a deleterious effect. The currently available literature and clinical evidence are not sufficient to establish a definitive association between this variant and the reported condition. Therefore, this variant is classified as a variant of uncertain significance.

Labcorp Genetics (formerly Invitae), Labcorp
Classification: Uncertain significance for Hypertrophic cardiomyopathy 10. Last evaluated: 2024-08-31. Review status: criteria provided, single submitter. Criteria: Invitae Variant Classification Sherloc (09022015). Collection method: clinical testing. Allele origin: germline.
Comment: This sequence change replaces glycine, which is neutral and non-polar, with glutamic acid, which is acidic and polar, at codon 92 of the MYL2 protein (p.Gly92Glu). This variant is not present in population databases (gnomAD no frequency). This variant has not been reported in the literature in individuals affected with MYL2-related conditions. ClinVar contains an entry for this variant (Variation ID: 1329422). An algorithm developed to predict the effect of missense changes on protein structure and function (PolyPhen-2) suggests that this variant is likely to be disruptive. Algorithms developed to predict the effect of sequence changes on RNA splicing suggest that this variant may create or strengthen a splice site. In summary, the available evidence is currently insufficient to determine the role of this variant in disease. Therefore, it has been classified as a Variant of Uncertain Significance.

Ambry Genetics
Classification: Uncertain significance for Cardiovascular phenotype. Last evaluated: 2022-03-04. Review status: criteria provided, single submitter. Criteria: Ambry Variant Classification Scheme 2023. Collection method: clinical testing. Allele origin: germline.
Comment: The p.G92E variant (also known as c.275G>A) is located in coding exon 5 of the MYL2 gene. The glycine at codon 92 is replaced by glutamic acid, an amino acid with similar properties. This change occurs in the first base pair of coding exon 5. This amino acid position is conserved. In addition, the in silico prediction for this alteration is inconclusive. Since supporting evidence is limited at this time, the clinical significance of this alteration remains unclear.

CHEO Genetics Diagnostic Laboratory, Children's Hospital of Eastern Ontario
Classification: Uncertain significance for Cardiomyopathy. Last evaluated: 2020-08-19. Review status: criteria provided, single submitter. Criteria: ACMG Guidelines, 2015. Collection method: clinical testing. Allele origin: germline.